The following is an entry in ClinVar:

NM_000051.4(ATM):c.2725_2728dup (p.Thr910fs)

Gene: ATM (ATM serine/threonine kinase; plus strand). Cytogenetic location: 11q22.3.
Variant type: Duplication.
Coding change: c.2725_2728dup on transcript NM_000051.4 (MANE Select); coding-DNA positions 2725 to 2728, 4 bases duplicated (ACTA; older notation c.2725_2728dupACTA).
Protein change: p.Thr910fs; shifts the reading frame from threonine 910.
Molecular consequence: frameshift variant.
Genome position (GRCh38, 1-based): chr11:108,268,496-108,268,499, ACTA duplicated; duplicating any 4 consecutive bases within chr11:108,268,494-108,268,499 gives the same sequence; the c. name uses the placement nearest the transcript's 3' end. VCF-style (leftmost placement, unchanged base first): chr11-108268493-G-GTAAC. GRCh37 (hg19) VCF-style: chr11-108139220-G-GTAAC.
Other names: c.2725_2728dup, p.Thr910fs (NM_001351834.2); short protein forms T910fs.
Identifiers: ClinVar variation 3148409 (VCV003148409.1), dbSNP rs2497634098, ClinGen allele CA2825001811.

ClinVar aggregate classification (germline): Pathogenic (1 of 4 stars; one submission).

Conditions:
Familial cancer of breast. Also called: BREAST CANCER, FAMILIAL; Hereditary breast cancer; hereditary breast carcinoma. Identifiers: Orphanet 227535, MedGen C0346153, MONDO:0016419, OMIM 114480. Disease mechanism: loss of function.

Submission:

Myriad Genetics, Inc.
Classification: Pathogenic for Familial cancer of breast. Last evaluated: 2024-01-18. Review status: criteria provided, single submitter. Criteria: Myriad Autosomal Dominant, Autosomal Recessive and X-Linked Classification Criteria (2023). Collection method: clinical testing. Allele origin: unknown.
Comment: This variant is considered pathogenic. This variant creates a frameshift predicted to result in premature protein truncation.